The following is an entry in ClinVar:

NM_032808.7(LINGO1):c.1635C>T (p.Arg545=)

Gene: LINGO1 (leucine rich repeat and Ig domain containing 1; minus strand). Cytogenetic location: 15q24.3.
Variant type: single nucleotide variant.
Coding change: c.1635C>T on transcript NM_032808.7 (MANE Select); coding-DNA position 1635, C replaced by T.
Protein change: p.Arg545=; no amino-acid change (arginine 545 retained).
Molecular consequence: synonymous variant.
Genome position (GRCh38, 1-based): chr15:77,614,272, G>A on the plus strand (C>T on the coding strand, the complement: LINGO1 is on the minus strand). VCF-style: chr15-77614272-G-A. GRCh37 (hg19) VCF-style: chr15-77906614-G-A.
Other names: c.1617C>T, p.Arg539= (NM_001301186.2, NM_001301187.2, NM_001301189.2 and 8 more transcripts).
Identifiers: ClinVar variation 2645591 (VCV002645591.24), dbSNP rs369774840, ClinGen allele CA7677737.

ClinVar aggregate classification (germline): Likely benign (1 of 4 stars; one submission).

Allele frequency attached by ClinVar (database versions not stated): ExAC 0.00002; ESP Exome Variant Server 0.00008; 1000 Genomes Project 30x 0.00031.

Submission:

CeGaT Center for Human Genetics Tuebingen
Classification: Likely benign. Last evaluated: 2023-09-01. Review status: criteria provided, single submitter. Criteria: CeGaT Center For Human Genetics Tuebingen Variant Classification Criteria Version 2. Collection method: clinical testing. Allele origin: germline. Affected: yes. Observed: 1 variant allele.
Comment: LINGO1: BP4, BP7